The following is an entry in ClinVar:

ClinVar aggregate classification (germline): Uncertain significance (1 of 4 stars; one submission).

Conditions:
Cardiovascular phenotype. Identifiers: MedGen CN230736.

gnomAD v4.1: 1 of 1,208,770 alleles (0.000083%); highest among the groups gnomAD compares: African/African-American, 0.0017%; no homozygotes.

Submission:

Molecular Diagnostic Laboratory for Inherited Cardiovascular Disease, Montreal Heart Institute
Classification: Uncertain significance for Cardiovascular phenotype. Last evaluated: 2025-04-09. Review status: criteria provided, single submitter. Criteria: ACMG Guidelines, 2015. Collection method: clinical testing. Allele origin: germline. Affected: yes.
Comment: PM2, BP1

NM_004006.3(DMD):c.5639A>G (p.Tyr1880Cys)

Gene: DMD (dystrophin; minus strand). Cytogenetic location: Xp21.1.
Variant type: single nucleotide variant.
Coding change: c.5639A>G on transcript NM_004006.3 (MANE Select); coding-DNA position 5639, A replaced by G.
Protein change: p.Tyr1880Cys; replaces tyrosine 1880 with cysteine.
Molecular consequence: missense variant.
Genome position (GRCh38, 1-based): chrX:32,343,234, T>C on the plus strand (A>G on the coding strand, the complement: DMD is on the minus strand). VCF-style: chrX-32343234-T-C. GRCh37 (hg19) VCF-style: chrX-32361351-T-C.
Other names: c.5615A>G, p.Tyr1872Cys (NM_000109.4); c.5627A>G, p.Tyr1876Cys (NM_004009.3); c.5270A>G, p.Tyr1757Cys (NM_004010.3); c.1616A>G, p.Tyr539Cys (NM_004011.4); c.1607A>G, p.Tyr536Cys (NM_004012.4); short protein forms Y1757C, Y1872C, Y1876C, Y1880C, Y536C, Y539C.
Identifiers: ClinVar variation 3895420 (VCV003895420.1).